The following is an entry in ClinVar:

NM_005204.4(MAP3K8):c.155A>G (p.Asp52Gly)

Gene: MAP3K8 (mitogen-activated protein kinase kinase kinase 8; plus strand). Cytogenetic location: 10p11.23.
Variant type: single nucleotide variant.
Coding change: c.155A>G on transcript NM_005204.4 (MANE Select); coding-DNA position 155, A replaced by G.
Protein change: p.Asp52Gly; replaces aspartic acid 52 with glycine.
Molecular consequence: missense variant.
Genome position (GRCh38, 1-based): chr10:30,439,093, A>G. VCF-style: chr10-30439093-A-G. GRCh37 (hg19) VCF-style: chr10-30728022-A-G.
Other names: c.155A>G, p.Asp52Gly (NM_001244134.1, NM_001320961.2); short protein forms D52G.
Identifiers: ClinVar variation 2110437 (VCV002110437.4), dbSNP rs1836008443, ClinGen allele CA376435668.
Genomic context (GRCh38, chr10:30,439,093, plus strand): 5'-ATCTTTATGCAAGTGAAGAGCCAGCAGTTTATGAACCCAGTCTAATGACCATGTGTCAAG[A>G]CAGTAATCAAAACGATGAGCGTTCTAAGTCTCTGCTGCTTAGTGGCCAAGAGGTACCATG-3'
Protein context (NP_005195.2, residues 42-62): YEPSLMTMCQ[Asp52Gly]SNQNDERSKS

ClinVar aggregate classification (germline): Uncertain significance (1 of 4 stars; one submission).

Allele frequency attached by ClinVar (database versions not stated): gnomAD exomes below 0.00001.

Submission:

Labcorp Genetics (formerly Invitae), Labcorp
Classification: Uncertain significance. Last evaluated: 2022-08-22. Review status: criteria provided, single submitter. Criteria: Invitae Variant Classification Sherloc (09022015). Collection method: clinical testing. Allele origin: germline.
Comment: In summary, the available evidence is currently insufficient to determine the role of this variant in disease. Therefore, it has been classified as a Variant of Uncertain Significance. Algorithms developed to predict the effect of missense changes on protein structure and function output the following: SIFT: "Deleterious"; PolyPhen-2: "Benign"; Align-GVGD: "Class C0". The glycine amino acid residue is found in multiple mammalian species, which suggests that this missense change does not adversely affect protein function. This variant has not been reported in the literature in individuals affected with MAP3K8-related conditions. This variant is not present in population databases (gnomAD no frequency). This sequence change replaces aspartic acid, which is acidic and polar, with glycine, which is neutral and non-polar, at codon 52 of the MAP3K8 protein (p.Asp52Gly).